The following is an entry in ClinVar:

NM_000038.6(APC):c.7613G>C (p.Arg2538Thr)

Gene: APC (APC regulator of Wnt signaling pathway; plus strand). Cytogenetic location: 5q22.2.
Variant type: single nucleotide variant.
Coding change: c.7613G>C on transcript NM_000038.6 (MANE Select); coding-DNA position 7613, G replaced by C.
Protein change: p.Arg2538Thr; replaces arginine 2538 with threonine.
Molecular consequence: missense variant. On other transcripts: non-coding transcript variant (2).
Genome position (GRCh38, 1-based): chr5:112,843,207, G>C. VCF-style: chr5-112843207-G-C. GRCh37 (hg19) VCF-style: chr5-112178904-G-C.
Other names: c.7613G>C, p.Arg2538Thr (NM_001127510.3, NM_001354895.2, NM_001407450.1); c.7559G>C, p.Arg2520Thr (NM_001127511.3); c.7667G>C, p.Arg2556Thr (NM_001354896.2, NM_001407447.1, NM_001407448.1 and 1 more transcripts); c.7643G>C, p.Arg2548Thr (NM_001354897.2); c.7538G>C, p.Arg2513Thr (NM_001354898.2); c.7529G>C, p.Arg2510Thr (NM_001354899.2); c.7490G>C, p.Arg2497Thr (NM_001354900.2); c.7436G>C, p.Arg2479Thr (NM_001354901.2, NM_001407453.1); and 11 more; short protein forms R2154T, R2378T, R2412T, R2479T, R2497T, R2510T, R2520T, R2255T.
Identifiers: ClinVar variation 3635518 (VCV003635518.2).

ClinVar aggregate classification (germline): Uncertain significance (1 of 4 stars; one submission).

Conditions:
Familial adenomatous polyposis 1 (FAP1). Also called: FAMILIAL ADENOMATOUS POLYPOSIS 1, ATTENUATED; POLYPOSIS, ADENOMATOUS INTESTINAL. Identifiers: MedGen C2713442, MONDO:0021056, OMIM 175100. Disease mechanism: loss of function.

Submission:

Labcorp Genetics (formerly Invitae), Labcorp
Classification: Uncertain significance for Familial adenomatous polyposis 1. Last evaluated: 2024-08-27. Review status: criteria provided, single submitter. Criteria: Invitae Variant Classification Sherloc (09022015). Collection method: clinical testing. Allele origin: germline.
Comment: This sequence change replaces arginine, which is basic and polar, with threonine, which is neutral and polar, at codon 2538 of the APC protein (p.Arg2538Thr). This variant is not present in population databases (gnomAD no frequency). This variant has not been reported in the literature in individuals affected with APC-related conditions. Invitae Evidence Modeling of protein sequence and biophysical properties (such as structural, functional, and spatial information, amino acid conservation, physicochemical variation, residue mobility, and thermodynamic stability) indicates that this missense variant is not expected to disrupt APC protein function with a negative predictive value of 95%. In summary, the available evidence is currently insufficient to determine the role of this variant in disease. Therefore, it has been classified as a Variant of Uncertain Significance.